The following is an entry in ClinVar:

ClinVar aggregate classification (germline): Uncertain significance. Review status: criteria provided, multiple submitters, no conflicts (2 of 4 stars). 2 submissions from 2 submitters: Uncertain significance (2). Last evaluated 2026-02-20.

Conditions:
Wilms tumor 1 (WT1). Also called: Wilms tumor, somatic. Identifiers: Orphanet 654, MedGen CN033288, MONDO:0008679, OMIM 194070.
Inborn genetic diseases. Identifiers: MedGen C0950123, MeSH D030342.

gnomAD v4.1: 2 of 1,612,802 alleles (0.00012%); highest among the groups gnomAD compares: African/African-American, 0.0027%; no homozygotes.

Submissions (2):

St. Jude Molecular Pathology, St. Jude Children's Research Hospital
Classification: Uncertain significance for Wilms tumor 1. Last evaluated: 2026-02-20. Review status: criteria provided, single submitter. Criteria: St. Jude Assertion Criteria 2020. Collection method: clinical testing. Allele origin: germline.
Comment: The WT1 c.611C>G p.(Ala204Gly) missense change is absent in g nomAD v2.1.1. The in silico tool REVEL predicts a benign effect on protein function, but to our knowledge this prediction has not been confirmed by functional studies. To our knowledge, this variant has not been repor ted in individuals with WT1-related conditions. In summary, the evidence currently available is insufficient to determine the clinical significance of this variant. It has therefore been classified as of uncertain significance.

Ambry Genetics
Classification: Uncertain significance for Inborn genetic diseases. Last evaluated: 2025-10-16. Review status: criteria provided, single submitter. Criteria: Ambry Variant Classification Scheme 2023. Collection method: clinical testing. Allele origin: germline.
Comment: The p.A199G variant (also known as c.596C>G), located in coding exon 1 of the WT1 gene, results from a C to G substitution at nucleotide position 596. The alanine at codon 199 is replaced by glycine, an amino acid with similar properties. This amino acid position is conserved. In addition, this alteration is predicted to be tolerated by in silico analysis. Based on the available evidence, the clinical significance of this variant remains unclear.

NM_024426.6(WT1):c.611C>G (p.Ala204Gly)

Genes: WT1 (WT1 transcription factor; minus strand), LOC107982234 (WT1/WT1-AS bi-directional promoter region; plus strand). Cytogenetic location: 11p13.
Variant type: single nucleotide variant.
Coding change: c.611C>G on transcript NM_024426.6 (MANE Select); coding-DNA position 611, C replaced by G.
Protein change: p.Ala204Gly; replaces alanine 204 with glycine.
Molecular consequence: missense variant. On other transcripts: non-coding transcript variant (2).
Genome position (GRCh38, 1-based): chr11:32,434,750, G>C on the plus strand (C>G on the coding strand, the complement: WT1 is on the minus strand). VCF-style: chr11-32434750-G-C. GRCh37 (hg19) VCF-style: chr11-32456296-G-C.
Other names: c.611C>G, p.Ala204Gly (NM_000378.6, NM_001407044.1, NM_001407045.1 and 6 more transcripts); c.392C>G, p.Ala131Gly (NM_001429031.1, NM_001429032.1, NM_001429033.1 and 1 more transcripts); short protein forms A131G, A204G, A199G.
Identifiers: ClinVar variation 4634855 (VCV004634855.2).